The following is an entry in ClinVar:

ClinVar aggregate classification (germline): Uncertain significance (1 of 4 stars; one submission).

Conditions:
Joubert syndrome. Also called: CEREBELLOPARENCHYMAL DISORDER IV; JOUBERT-BOLTSHAUSER SYNDROME; Familial aplasia of the vermis. Identifiers: Orphanet 475, MedGen C5979921, MONDO:0018772.
Orofaciodigital syndrome I (OFD1). Also called: OFDS I; Papillon-Leage and Psaume Syndrome; Oral-Facial-Digital Syndrome Type I. Identifiers: Orphanet 2750, MedGen C1510460, MONDO:0010702, OMIM 311200.

Submission:

Labcorp Genetics (formerly Invitae), Labcorp
Classification: Uncertain significance for Orofaciodigital syndrome I; Joubert syndrome. Last evaluated: 2022-07-08. Review status: criteria provided, single submitter. Criteria: Invitae Variant Classification Sherloc (09022015). Collection method: clinical testing. Allele origin: germline.
Comment: This sequence change falls in intron 19 of the OFD1 gene. It does not directly change the encoded amino acid sequence of the OFD1 protein. It affects a nucleotide within the consensus splice site. This variant is not present in population databases (gnomAD no frequency). This variant has not been reported in the literature in individuals affected with OFD1-related conditions. Variants that disrupt the consensus splice site are a relatively common cause of aberrant splicing (PMID: 17576681, 9536098). Algorithms developed to predict the effect of sequence changes on RNA splicing suggest that this variant may disrupt the consensus splice site. In summary, the available evidence is currently insufficient to determine the role of this variant in disease. Therefore, it has been classified as a Variant of Uncertain Significance.

Literature cited by the submitters: PubMed 17576681; PubMed 9536098.

NM_003611.3(OFD1):c.2599+4A>C

Gene: OFD1 (OFD1 centriole and centriolar satellite protein; plus strand). Cytogenetic location: Xp22.2.
Variant type: single nucleotide variant.
Coding change: c.2599+4A>C on transcript NM_003611.3 (MANE Select); 4 bases into the intron after coding-DNA position 2599, A replaced by C.
Molecular consequence: intron variant.
Genome position (GRCh38, 1-based): chrX:13,763,859, A>C. VCF-style: chrX-13763859-A-C. GRCh37 (hg19) VCF-style: chrX-13781978-A-C.
Other names: c.2179+4A>C (NM_001330210.2); c.2479+4A>C (NM_001330209.2).
Identifiers: ClinVar variation 2015204 (VCV002015204.4), dbSNP rs2048027082, ClinGen allele CA2580100346.
Genomic context (GRCh38, chrX:13,763,859, plus strand): 5'-ATATGTCTCATGTGGACGCTGCTGCAGCTGCTGTGCCCCTCTCATATCAGCACCCAAGTA[A>C]GTTCTTTTTTTGAACTAACAGTCAGCAGGGTCGCATACTAAATACCAGTCCGTGTGCTCT-3'